The following is an entry in ClinVar:

NM_206937.2(LIG4):c.1754G>T (p.Arg585Ile)

Gene: LIG4 (DNA ligase 4; minus strand). Cytogenetic location: 13q33.3.
Variant type: single nucleotide variant.
Coding change: c.1754G>T on transcript NM_206937.2 (MANE Select); coding-DNA position 1754, G replaced by T.
Protein change: p.Arg585Ile; replaces arginine 585 with isoleucine.
Molecular consequence: missense variant.
Genome position (GRCh38, 1-based): chr13:108,209,515, C>A on the plus strand (G>T on the coding strand, the complement: LIG4 is on the minus strand). VCF-style: chr13-108209515-C-A. GRCh37 (hg19) VCF-style: chr13-108861863-C-A.
Other names: c.1754G>T, p.Arg585Ile (NM_001098268.2, NM_001352598.2, NM_001352599.2 and 6 more transcripts); c.1553G>T, p.Arg518Ile (NM_001330595.2); c.1790G>T, p.Arg597Ile (NM_001352604.2); short protein forms R518I, R585I, R597I.
Identifiers: ClinVar variation 1015519 (VCV001015519.10), dbSNP rs1878357858, ClinGen allele CA388616206.
Genomic context (GRCh38, chr13:108,209,515, plus strand): 5'-TTCCCCCTAAGTTGTTCTAGGTCGTCCAGGGTCATGCACTCATGCCACTCCTTGTCATCT[C>A]TTATCTTTTCAATTCGTGGAAAACGCAAGGTGCAGCCAGTTTTATACATATCACTGGGTA-3'
Protein context (NP_996820.1, residues 575-595): TLRFPRIEKI[Arg585Ile]DDKEWHECMT

ClinVar aggregate classification (germline): Uncertain significance. Review status: criteria provided, multiple submitters, no conflicts (2 of 4 stars). 3 submissions from 3 submitters: Uncertain significance (3). Last evaluated 2025-11-26.

Conditions:
DNA ligase IV deficiency. Identifiers: Orphanet 99812, MedGen C1847827, MONDO:0011686, OMIM 606593.
Inborn genetic diseases. Identifiers: MedGen C0950123, MeSH D030342.

Allele frequency attached by ClinVar (database versions not stated): gnomAD exomes below 0.00001; TOPMed below 0.00001.

Submissions (3):

Ambry Genetics
Classification: Uncertain significance for Inborn genetic diseases. Last evaluated: 2025-11-26. Review status: criteria provided, single submitter. Criteria: Ambry Variant Classification Scheme 2023. Collection method: clinical testing. Allele origin: germline.

Blueprint Genetics
Classification: Uncertain significance. Last evaluated: 2020-12-29. Review status: criteria provided, single submitter. Criteria: ACMG Guidelines, 2015. Collection method: clinical testing. Allele origin: germline.

Labcorp Genetics (formerly Invitae), Labcorp
Classification: Uncertain significance for DNA ligase IV deficiency. Last evaluated: 2020-04-21. Review status: criteria provided, single submitter. Criteria: Invitae Variant Classification Sherloc (09022015). Collection method: clinical testing. Allele origin: germline.
Comment: In summary, the available evidence is currently insufficient to determine the role of this variant in disease. Therefore, it has been classified as a Variant of Uncertain Significance. Algorithms developed to predict the effect of missense changes on protein structure and function (SIFT, PolyPhen-2, Align-GVGD) all suggest that this variant is likely to be disruptive, but these predictions have not been confirmed by published functional studies and their clinical significance is uncertain. This sequence change replaces arginine with isoleucine at codon 585 of the LIG4 protein (p.Arg585Ile). The arginine residue is highly conserved and there is a moderate physicochemical difference between arginine and isoleucine. This variant is not present in population databases (ExAC no frequency). This variant has not been reported in the literature in individuals with LIG4-related conditions.